The following is an entry in ClinVar:

ClinVar aggregate classification (germline): Uncertain significance (1 of 4 stars; one submission).

Conditions:
Hereditary cancer-predisposing syndrome. Also called: Neoplastic Syndromes, Hereditary; Tumor predisposition; Hereditary Cancer Syndrome; Hereditary neoplastic syndrome. Identifiers: Orphanet 140162, MedGen C0027672, MeSH D009386, MONDO:0015356.

Allele frequency attached by ClinVar (database versions not stated): gnomAD exomes 0.00001.
gnomAD v4.1: 6 of 1,581,480 alleles (0.00038%); highest among the groups gnomAD compares: Non-Finnish European, 0.00052%; no homozygotes.

Submission:

Ambry Genetics
Classification: Uncertain significance for Hereditary cancer-predisposing syndrome. Last evaluated: 2024-08-16. Review status: criteria provided, single submitter. Criteria: Ambry Variant Classification Scheme 2023. Collection method: clinical testing. Allele origin: germline.
Comment: The p.M698I variant (also known as c.2094G>C), located in coding exon 19 of the MRE11A gene, results from a G to C substitution at nucleotide position 2094. The methionine at codon 698 is replaced by isoleucine, an amino acid with highly similar properties. This amino acid position is well conserved in available vertebrate species. In addition, this alteration is predicted to be tolerated by in silico analysis. Based on the available evidence, the clinical significance of this variant remains unclear.

NM_005591.4(MRE11):c.2094G>C (p.Met698Ile)

Gene: MRE11 (MRE11 double strand break repair nuclease; minus strand). Cytogenetic location: 11q21.
Variant type: single nucleotide variant.
Coding change: c.2094G>C on transcript NM_005591.4 (MANE Select); coding-DNA position 2094, G replaced by C.
Protein change: p.Met698Ile; replaces methionine 698 with isoleucine.
Molecular consequence: missense variant.
Genome position (GRCh38, 1-based): chr11:94,420,158, C>G on the plus strand (G>C on the coding strand, the complement: MRE11 is on the minus strand). VCF-style: chr11-94420158-C-G. GRCh37 (hg19) VCF-style: chr11-94153324-C-G.
Other names: c.2091G>C, p.Met697Ile (NM_001330347.2); c.2010G>C, p.Met670Ile (NM_005590.4); short protein forms M698I, M670I, M697I.
Identifiers: ClinVar variation 233354 (VCV000233354.6), dbSNP rs876660351, ClinGen allele CA10579352.